The following is an entry in ClinVar:

ClinVar aggregate classification (germline): Uncertain significance (1 of 4 stars; one submission).

Conditions:
Early-infantile DEE. Also called: Ohtahara syndrome; Early infantile epileptic encephalopathy with suppression bursts; Early infantile epileptic encephalopathy. Identifiers: Orphanet 1934, MedGen C0393706, MONDO:0800491.

Submission:

Labcorp Genetics (formerly Invitae), Labcorp
Classification: Uncertain significance for Early-infantile DEE. Last evaluated: 2024-08-29. Review status: criteria provided, single submitter. Criteria: Invitae Variant Classification Sherloc (09022015). Collection method: clinical testing. Allele origin: germline.
Comment: This sequence change falls in intron 23 of the SPTAN1 gene. It does not directly change the encoded amino acid sequence of the SPTAN1 protein. It affects a nucleotide within the consensus splice site. This variant is not present in population databases (gnomAD no frequency). This variant has not been reported in the literature in individuals affected with SPTAN1-related conditions. Variants that disrupt the consensus splice site are a relatively common cause of aberrant splicing (PMID: 17576681, 9536098). Algorithms developed to predict the effect of sequence changes on RNA splicing suggest that this variant is not likely to affect RNA splicing. In summary, the available evidence is currently insufficient to determine the role of this variant in disease. Therefore, it has been classified as a Variant of Uncertain Significance.

Literature cited by the submitters: PubMed 17576681; PubMed 9536098.

NM_001130438.3(SPTAN1):c.3216-3C>T

Gene: SPTAN1 (spectrin alpha, non-erythrocytic 1; plus strand). Cytogenetic location: 9q34.11.
Variant type: single nucleotide variant.
Coding change: c.3216-3C>T on transcript NM_001130438.3 (MANE Select); 3 bases into the intron before coding-DNA position 3216, C replaced by T.
Molecular consequence: intron variant.
Genome position (GRCh38, 1-based): chr9:128,594,172, C>T. VCF-style: chr9-128594172-C-T. GRCh37 (hg19) VCF-style: chr9-131356451-C-T.
Other names: c.3252-3C>T (NM_001375318.1, NM_001375312.2); c.3216-3C>T (NM_001375311.2, NM_001375310.1, NM_001363759.2 and 2 more transcripts); c.3156-3C>T (NM_001375314.2, NM_001363765.2, NM_001195532.2).
Identifiers: ClinVar variation 3690659 (VCV003690659.2).
Genomic context (GRCh38, chr9:128,594,172, plus strand): 5'-ATGTTAGCATCTACAGCTAACTGCCTTCCTTGTCCCTCTTGTCACCCTCTTGAATTCCAT[C>T]AGATATCATTCTCTGCTGGAACTGGGTGAGAAGCGTAAAGGCATGTTGGAGAAGAGTTGC-3'